The following is an entry in ClinVar:

ClinVar aggregate classification (germline): Pathogenic (1 of 4 stars; one submission).

Submission:

ISCA Site 6
Classification: Pathogenic. Last evaluated: 2011-08-12. Review status: criteria provided, single submitter. Criteria: Kaminsky et al. (Genet Med. 2011). Collection method: clinical testing. Allele origin: unknown. Affected: yes. Observed: 1 variant allele.
Comment: Copy number variation identified through the course of routine clinical cytogenomic testing in postnatal populations. Clinical assertions have been curated as described in Kaminsky et al. 2011.

GRCh38/hg38 17p11.2(chr17:16760818-20390725)x1

Genes: AKAP10 (A-kinase anchoring protein 10; minus strand), ALDH3A1 (aldehyde dehydrogenase 3 family member A1; minus strand), ALDH3A2 (aldehyde dehydrogenase 3 family member A2; plus strand), ALKBH5 (alkB homolog 5, RNA demethylase; plus strand), ATPAF2 (ATP synthase mitochondrial F1 complex assembly factor 2; minus strand) and 244 more. Cytogenetic location: 17p11.2.
Variant type: copy number loss.
Change: copy number 1 (one copy instead of two) of chr17:16,760,818-20,390,725 (3.63 Mb, GRCh38 coordinates, 1-based), cytogenetic band 17p11.2.
Identifiers: ClinVar variation 60437 (VCV000060437.2).